The following is an entry in ClinVar:

ClinVar aggregate classification (germline): Uncertain significance. Review status: criteria provided, multiple submitters, no conflicts (2 of 4 stars). 2 submissions from 2 submitters: Uncertain significance (2). Last evaluated 2025-08-28.

Conditions:
Inborn genetic diseases. Identifiers: MedGen C0950123, MeSH D030342.

Allele frequency attached by ClinVar (database versions not stated): gnomAD exomes 0.00001; TOPMed 0.00002.
gnomAD v4.1: 17 of 1,613,944 alleles (0.0011%); highest among the groups gnomAD compares: Non-Finnish European, 0.0014%; no homozygotes.

Submissions (2):

Ambry Genetics
Classification: Uncertain significance for Inborn genetic diseases. Last evaluated: 2025-08-28. Review status: criteria provided, single submitter. Criteria: Ambry Variant Classification Scheme 2023. Collection method: clinical testing. Allele origin: germline.

Labcorp Genetics (formerly Invitae), Labcorp
Classification: Uncertain significance. Last evaluated: 2023-04-26. Review status: criteria provided, single submitter. Criteria: Invitae Variant Classification Sherloc (09022015). Collection method: clinical testing. Allele origin: germline.
Comment: This variant is present in population databases (no rsID available, gnomAD 0.002%). This sequence change replaces alanine, which is neutral and non-polar, with serine, which is neutral and polar, at codon 269 of the DCHS1 protein (p.Ala269Ser). This variant has not been reported in the literature in individuals affected with DCHS1-related conditions. In summary, the available evidence is currently insufficient to determine the role of this variant in disease. Therefore, it has been classified as a Variant of Uncertain Significance. Advanced modeling of protein sequence and biophysical properties (such as structural, functional, and spatial information, amino acid conservation, physicochemical variation, residue mobility, and thermodynamic stability) has been performed at Invitae for this missense variant, however the output from this modeling did not meet the statistical confidence thresholds required to predict the impact of this variant on DCHS1 protein function.

NM_003737.4(DCHS1):c.805G>T (p.Ala269Ser)

Gene: DCHS1 (dachsous cadherin-related 1; minus strand). Cytogenetic location: 11p15.4.
Variant type: single nucleotide variant.
Coding change: c.805G>T on transcript NM_003737.4 (MANE Select); coding-DNA position 805, G replaced by T.
Protein change: p.Ala269Ser; replaces alanine 269 with serine.
Molecular consequence: missense variant.
Genome position (GRCh38, 1-based): chr11:6,640,809, C>A on the plus strand (G>T on the coding strand, the complement: DCHS1 is on the minus strand). VCF-style: chr11-6640809-C-A. GRCh37 (hg19) VCF-style: chr11-6662040-C-A.
Other names: c.805G>T (NM_003737.2); short protein forms A269S.
Identifiers: ClinVar variation 2848288 (VCV002848288.4), dbSNP rs918577745, ClinGen allele CA217303259.